The following is an entry in ClinVar:

ClinVar aggregate classification (germline): Likely pathogenic (1 of 4 stars; one submission).

Allele frequency attached by ClinVar (database versions not stated): gnomAD exomes below 0.00001.
gnomAD v4.1: 1 of 1,612,078 alleles (0.000062%); highest among the groups gnomAD compares: South Asian, 0.0011%; no homozygotes.

Submission:

Labcorp Genetics (formerly Invitae), Labcorp
Classification: Likely pathogenic. Last evaluated: 2023-03-02. Review status: criteria provided, single submitter. Criteria: Invitae Variant Classification Sherloc (09022015). Collection method: clinical testing. Allele origin: germline.
Comment: ClinVar contains an entry for this variant (Variation ID: 963440). This sequence change affects a donor splice site in intron 5 of the DGUOK gene. It is expected to disrupt RNA splicing. Variants that disrupt the donor or acceptor splice site typically lead to a loss of protein function (PMID: 16199547), and loss-of-function variants in DGUOK are known to be pathogenic (PMID: 18205204). This variant is not present in population databases (gnomAD no frequency). This variant has not been reported in the literature in individuals affected with DGUOK-related conditions. Algorithms developed to predict the effect of sequence changes on RNA splicing suggest that this variant may disrupt the consensus splice site. In summary, the currently available evidence indicates that the variant is pathogenic, but additional data are needed to prove that conclusively. Therefore, this variant has been classified as Likely Pathogenic.

Literature cited by the submitters: PubMed 16199547; PubMed 18205204.

NM_080916.3(DGUOK):c.707+1G>A

Gene: DGUOK (deoxyguanosine kinase; plus strand). Cytogenetic location: 2p13.1.
Variant type: single nucleotide variant.
Coding change: c.707+1G>A on transcript NM_080916.3 (MANE Select); the canonical splice donor site of the intron after coding-DNA position 707, G replaced by A.
Molecular consequence: splice donor variant. On other transcripts: intron variant (2).
Genome position (GRCh38, 1-based): chr2:73,957,241, G>A. VCF-style: chr2-73957241-G-A. GRCh37 (hg19) VCF-style: chr2-74184368-G-A.
Other names: c.416+1G>A (NM_001318861.2, NM_001318860.2); c.398+1G>A (NM_001318862.2, NM_001318863.2); c.444-905G>A (NM_080918.3); c.426-905G>A (NM_001318859.2).
Identifiers: ClinVar variation 963440 (VCV000963440.8), dbSNP rs1683179791, ClinGen allele CA347301826.